The following is an entry in ClinVar:

NM_001040716.2(PC):c.2703G>A (p.Leu901=)

Gene: PC (pyruvate carboxylase; minus strand). Cytogenetic location: 11q13.2.
Variant type: single nucleotide variant.
Coding change: c.2703G>A on transcript NM_001040716.2 (MANE Select); coding-DNA position 2703, G replaced by A.
Protein change: p.Leu901=; no amino-acid change (leucine 901 retained).
Molecular consequence: synonymous variant.
Genome position (GRCh38, 1-based): chr11:66,850,235, C>T on the plus strand (G>A on the coding strand, the complement: PC is on the minus strand). VCF-style: chr11-66850235-C-T. GRCh37 (hg19) VCF-style: chr11-66617706-C-T.
Other names: c.2703G>A (NM_001040716.1); c.2703G>A, p.Leu901= (NM_000920.4, NM_022172.3).
Identifiers: ClinVar variation 1089100 (VCV001089100.11), dbSNP rs187166676, ClinGen allele CA6131012.

ClinVar aggregate classification (germline): Likely benign. Review status: criteria provided, single submitter (1 of 4 stars). 2 submissions from 2 submitters: Likely benign (1). 1 of the submissions does not count toward it. Last evaluated 2024-10-17.

Conditions:
Pyruvate carboxylase deficiency. Also called: ATAXIA WITH LACTIC ACIDOSIS II; LEIGH NECROTIZING ENCEPHALOPATHY DUE TO PYRUVATE CARBOXYLASE DEFICIENCY; LEIGH SYNDROME DUE TO PYRUVATE CARBOXYLASE DEFICIENCY; PC DEFICIENCY; Pyruvate Carboxylase Deficiency Disease. Identifiers: Orphanet 3008, MedGen C0034341, MONDO:0009949, OMIM 266150.
PC-related disorder. Also called: PC-related condition.

Allele frequency attached by ClinVar (database versions not stated): ExAC 0.00002; gnomAD exomes 0.00002 and 0.00003; TOPMed 0.00002; gnomAD 0.00003; 1000 Genomes Project 30x 0.00016; 1000 Genomes Project 0.00020.
gnomAD v4.1: 52 of 1,614,054 alleles (0.0032%); highest among the groups gnomAD compares: Non-Finnish European, 0.0041%; no homozygotes.

Submissions (2):

Labcorp Genetics (formerly Invitae), Labcorp
Classification: Likely benign for Pyruvate carboxylase deficiency. Last evaluated: 2024-10-17. Review status: criteria provided, single submitter. Criteria: Invitae Variant Classification Sherloc (09022015). Collection method: clinical testing. Allele origin: germline.

PreventionGenetics, part of Exact Sciences
Classification: Likely benign for PC-related condition. Last evaluated: 2023-01-18. Review status: no assertion criteria provided. Collection method: clinical testing. Allele origin: germline. Not counted in ClinVar's aggregate classification.
Comment: This variant is classified as likely benign based on ACMG/AMP sequence variant interpretation guidelines (Richards et al. 2015 PMID: 25741868, with internal and published modifications).